The following is an entry in ClinVar:

NM_014946.4(SPAST):c.1363C>G (p.His455Asp)

Gene: SPAST (spastin; plus strand). Cytogenetic location: 2p22.3.
Variant type: single nucleotide variant.
Coding change: c.1363C>G on transcript NM_014946.4 (MANE Select); coding-DNA position 1363, C replaced by G.
Protein change: p.His455Asp; replaces histidine 455 with aspartic acid.
Molecular consequence: missense variant.
Genome position (GRCh38, 1-based): chr2:32,136,918, C>G. VCF-style: chr2-32136918-C-G. GRCh37 (hg19) VCF-style: chr2-32361987-C-G.
Other names: c.1360C>G, p.His454Asp (NM_001363823.2); c.1264C>G, p.His422Asp (NM_001363875.2); c.1267C>G, p.His423Asp (NM_001377959.1, NM_199436.2); short protein forms H455D, H422D, H454D, H423D.
Identifiers: ClinVar variation 216684 (VCV000216684.7), dbSNP rs863224769, ClinGen allele CA338018.

ClinVar aggregate classification (germline): Uncertain significance (1 of 4 stars; one submission).

Conditions:
Hereditary spastic paraplegia 4. Also called: Spastic paraplegia 4, autosomal dominant; Spastic Paraplegia 4; Familial spastic paraplegia autosomal dominant 2. Identifiers: Orphanet 100985, MedGen C1866855, MONDO:0008438, OMIM 182601.

Submission:

Labcorp Genetics (formerly Invitae), Labcorp
Classification: Uncertain significance for Hereditary spastic paraplegia 4. Last evaluated: 2015-05-22. Review status: criteria provided, single submitter. Criteria: Invitae Variant Classification Sherloc (09022015). Collection method: clinical testing. Allele origin: germline.
Comment: Algorithms developed to predict the effect of missense changes on protein structure and function do not agree on the potential impact of this missense change (SIFT: "Deleterious"; PolyPhen-2: "Probably Damaging"; Align-GVGD: "Class C0"). This sequence change replaces histidine with aspartic acid at codon 455 of the SPAST protein (p.His455Asp). The histidine residue is highly conserved and there is a moderate physicochemical difference between histidine and aspartic acid. This variant has not been published in the literature and is not present in population databases. In summary, this is a novel missense change with uncertain impact on protein function. It has been classified as a Variant of Uncertain Significance.